The following is an entry in ClinVar:

NC_000008.10:g.(?_118819446)_(119123285_?)dup

Gene: EXT1 (exostosin glycosyltransferase 1; minus strand). Cytogenetic location: 8q24.11.
Variant type: Duplication.
Identifiers: ClinVar variation 1010215 (VCV001010215.5).

ClinVar aggregate classification (germline): Uncertain significance (1 of 4 stars; one submission).

Conditions:
Multiple congenital exostosis (EXT). Also called: Multiple osteochondromas; MULTIPLE CARTILAGINOUS EXOSTOSES; Hereditary multiple exostoses; Hereditary multiple exostosis; Hereditary multiple osteochondromas; Multiple exostoses. Identifiers: Orphanet 321, MedGen C0015306, MONDO:0005508, HP:0002762.

Submission:

Labcorp Genetics (formerly Invitae), Labcorp
Classification: Uncertain significance for Multiple congenital exostosis. Last evaluated: 2020-02-15. Review status: criteria provided, single submitter. Criteria: Invitae Variant Classification Sherloc (09022015). Collection method: clinical testing. Allele origin: germline.
Comment: In summary, the available evidence is currently insufficient to determine the role of this variant in disease. Therefore, it has been classified as a Variant of Uncertain Significance. Experimental studies and prediction algorithms are not available or were not evaluated, and the functional significance of this variant is currently unknown. This variant has not been reported in the literature in individuals with EXT1-related conditions. This variant results in a copy number gain of the genomic region encompassing exons 1-9 of the EXT1 gene, which includes the initiator codon. The 5' end of this event is unknown as it extends beyond the assayed region for this gene and therefore may encompass additional genes. The 3' boundary is likely confined to intron 9 of the EXT1 gene. As the precise location of this event is unknown, it may be in tandem or it may be located elsewhere in the genome.